The following is an entry in ClinVar:

NM_001128840.3(CACNA1D):c.1262A>G (p.Asp421Gly)

Gene: CACNA1D (calcium voltage-gated channel subunit alpha1 D; plus strand). Cytogenetic location: 3p21.1.
Variant type: single nucleotide variant.
Coding change: c.1262A>G on transcript NM_001128840.3 (MANE Select); coding-DNA position 1262, A replaced by G.
Protein change: p.Asp421Gly; replaces aspartic acid 421 with glycine.
Molecular consequence: missense variant.
Genome position (GRCh38, 1-based): chr3:53,702,682, A>G. VCF-style: chr3-53702682-A-G. GRCh37 (hg19) VCF-style: chr3-53736709-A-G.
Other names: c.1262A>G, p.Asp421Gly (NM_000720.4, NM_001128839.3); short protein forms D421G.
Identifiers: ClinVar variation 2631103 (VCV002631103.1), dbSNP rs1391805831, ClinGen allele CA353384327.

ClinVar aggregate classification (germline): Uncertain significance (1 of 4 stars; one submission).

Conditions:
CACNA1D-related disorder.

Allele frequency attached by ClinVar (database versions not stated): TOPMed below 0.00001.

Submission:

PreventionGenetics, part of Exact Sciences
Classification: Uncertain significance for CACNA1D-related condition. Last evaluated: 2023-09-14. Review status: criteria provided, single submitter. Criteria: ACMG Guidelines, 2015. Collection method: clinical testing. Allele origin: germline.
Comment: The CACNA1D c.1262A>G variant is predicted to result in the amino acid substitution p.Asp421Gly. To our knowledge, this variant has not been reported in the literature or in a large population database, indicating this variant is rare. At this time, the clinical significance of this variant is uncertain due to the absence of conclusive functional and genetic evidence.